The following is an entry in ClinVar:

ClinVar aggregate classification (germline): Likely pathogenic (0 of 4 stars; one submission).

Conditions:
Poirier-Bienvenu neurodevelopmental syndrome (POBINDS). Identifiers: Orphanet 689397, MedGen C5231482, MONDO:0032889, OMIM 618732.

gnomAD v4.1: 2 of 1,613,338 alleles (0.00012%); highest among the groups gnomAD compares: Non-Finnish European, 0.000085%; no homozygotes.

Submission:

Department of Neurology, Children's Hospital of Nanjing Medical University
Classification: Likely pathogenic for Poirier-Bienvenu neurodevelopmental syndrome. Last evaluated: 2025-03-20. Review status: no assertion criteria provided. Collection method: clinical testing. Allele origin: de novo. Inheritance: Autosomal dominant inheritance. Affected: yes. Observed: 1 variant allele, 1 heterozygote.
Comment: The variant has a rsID of rs1216930987. It is a low-frequency variant with an extremely low allele frequency in general population databases such as gnomAD. A different amino acid change at the same position [c.332(exon5)G>C; p.(R111P) (NM_001320.7)] has been classified as Likely pathogenic in the ClinVar database(VCV003391794.1). According to the ACMG/AMP variant interpretation guidelines, this variant is classified as Likely Pathogenic (LP).Pathogenic variants in the CSNK2B gene are known to cause Poirier-Bienvenu Neurodevelopmental Syndrome (POBINDS; OMIM: 618732), with an autosomal dominant (AD) inheritance pattern. The clinical manifestations are detailed in the main body of the report. Literature reports have identified CSNK2B gene variants in 15 patients with epilepsy, of which 14 cases were de novo mutations and one case was inherited from an asymptomatic father and grandmother, suggesting that incomplete penetrance may exist for pathogenic variants in this gene.

NM_001320.7(CSNK2B):c.331C>T (p.Arg111Cys)

Gene: CSNK2B (casein kinase 2 beta; plus strand). Cytogenetic location: 6p21.33.
Variant type: single nucleotide variant.
Coding change: c.331C>T on transcript NM_001320.7 (MANE Select); coding-DNA position 331, C replaced by T.
Protein change: p.Arg111Cys; replaces arginine 111 with cysteine.
Molecular consequence: missense variant.
Genome position (GRCh38, 1-based): chr6:31,669,136, C>T. VCF-style: chr6-31669136-C-T. GRCh37 (hg19) VCF-style: chr6-31636913-C-T.
Other names: c.331C>T, p.Arg111Cys (NM_001282385.2); short protein forms R111C.
Identifiers: ClinVar variation 4876687 (VCV004876687.1).